The following is an entry in ClinVar:

ClinVar aggregate classification (germline): Uncertain significance (1 of 4 stars; one submission).

Conditions:
Catecholaminergic polymorphic ventricular tachycardia (CVPT). Also called: Catecholamine-induced polymorphic ventricular tachycardia. Identifiers: Orphanet 3286, MedGen C5574922, MONDO:0017990.

Submission:

All of Us Research Program, National Institutes of Health
Classification: Uncertain significance for Catecholaminergic polymorphic ventricular tachycardia. Last evaluated: 2023-07-19. Review status: criteria provided, single submitter. Criteria: ACMG Guidelines, 2015. Collection method: clinical testing. Allele origin: germline. Inheritance: Autosomal dominant inheritance. Observed: 1 variant allele, 1 heterozygote.
Comment: This variant is located in the RYR2 protein. To our knowledge, functional studies have not been reported for this variant. This variant has not been reported in individuals affected with RYR2-related disorders in the literature. This variant has not been identified in the general population by the Genome Aggregation Database (gnomAD). The available evidence is insufficient to determine the role of this variant in disease conclusively. Therefore, this variant is classified as a Variant of Uncertain Significance.

This study involves interpretation of variants in research participants for the purpose of population health screening. Participant phenotype was not available at the time of variant classification. Additional details can be found in publication PMID: 35346344, PMCID: PMC8962531

NM_001035.3(RYR2):c.2058G>T (p.Val686=)

Gene: RYR2 (ryanodine receptor 2; plus strand). Cytogenetic location: 1q43.
Variant type: single nucleotide variant.
Coding change: c.2058G>T on transcript NM_001035.3 (MANE Select); coding-DNA position 2058, G replaced by T.
Protein change: p.Val686=; no amino-acid change (valine 686 retained).
Molecular consequence: synonymous variant.
Genome position (GRCh38, 1-based): chr1:237,496,607, G>T. VCF-style: chr1-237496607-G-T. GRCh37 (hg19) VCF-style: chr1-237659907-G-T.
Identifiers: ClinVar variation 3072495 (VCV003072495.1), dbSNP rs2545835836, ClinGen allele CA424030700.
Genomic context (GRCh38, chr1:237,496,607, plus strand): 5'-TTCTGCTCAGTATAAGAAATGGTACTATGAATTGATGGTGGACCACACAGAGCCCTTTGT[G>T]ACAGCTGAAGCAACTCACCTGCGAGTGGGCTGGGCTTCCACTGAAGGATATTCTCCCTAC-3'
Protein context (NP_001026.2, residues 676-696): ELMVDHTEPF[Val686=]TAEATHLRVG